The following is an entry in ClinVar:

ClinVar aggregate classification (germline): Uncertain significance (1 of 4 stars; one submission).

Allele frequency attached by ClinVar (database versions not stated): gnomAD 0.00001; gnomAD exomes 0.00001.

Submission:

Labcorp Genetics (formerly Invitae), Labcorp
Classification: Uncertain significance. Last evaluated: 2024-02-16. Review status: criteria provided, single submitter. Criteria: Invitae Variant Classification Sherloc (09022015). Collection method: clinical testing. Allele origin: germline.
Comment: This sequence change replaces glycine, which is neutral and non-polar, with glutamic acid, which is acidic and polar, at codon 992 of the A2ML1 protein (p.Gly992Glu). This variant is not present in population databases (gnomAD no frequency). This variant has not been reported in the literature in individuals affected with A2ML1-related conditions. ClinVar contains an entry for this variant (Variation ID: 1015860). Algorithms developed to predict the effect of missense changes on protein structure and function output the following: SIFT: "Not Available"; PolyPhen-2: "Benign"; Align-GVGD: "Not Available". The glutamic acid amino acid residue is found in multiple mammalian species, which suggests that this missense change does not adversely affect protein function. In summary, the available evidence is currently insufficient to determine the role of this variant in disease. Therefore, it has been classified as a Variant of Uncertain Significance.

NM_144670.6(A2ML1):c.2975G>A (p.Gly992Glu)

Gene: A2ML1 (alpha-2-macroglobulin like 1; plus strand). Cytogenetic location: 12p13.31.
Variant type: single nucleotide variant.
Coding change: c.2975G>A on transcript NM_144670.6 (MANE Select); coding-DNA position 2975, G replaced by A.
Protein change: p.Gly992Glu; replaces glycine 992 with glutamic acid.
Molecular consequence: missense variant.
Genome position (GRCh38, 1-based): chr12:8,857,290, G>A. VCF-style: chr12-8857290-G-A. GRCh37 (hg19) VCF-style: chr12-9009886-G-A.
Other names: c.1502G>A, p.Gly501Glu (NM_001282424.3); short protein forms G501E, G992E.
Identifiers: ClinVar variation 1015860 (VCV001015860.8), dbSNP rs1944100535, ClinGen allele CA383836333.
Genomic context (GRCh38, chr12:8,857,290, plus strand): 5'-AGCAGAACATGGTCTTGTTTGCTCCCATCATCTATGTCTTGCAGTACCTGGAGAAGGCAG[G>A]GCTGCTGACGGAGGAGATCAGGTCTCGGGCAGTGGGTTTCCTGGAAATAGGTAAGTTGGT-3'
Protein context (NP_653271.3, residues 982-1002): IYVLQYLEKA[Gly992Glu]LLTEEIRSRA